The following is an entry in ClinVar:

NM_007192.4(SUPT16H):c.317T>A (p.Leu106Gln)

Gene: SUPT16H (SPT16 homolog, facilitates chromatin remodeling subunit; minus strand). Cytogenetic location: 14q11.2.
Variant type: single nucleotide variant.
Coding change: c.317T>A on transcript NM_007192.4 (MANE Select); coding-DNA position 317, T replaced by A.
Protein change: p.Leu106Gln; replaces leucine 106 with glutamine.
Molecular consequence: missense variant.
Genome position (GRCh38, 1-based): chr14:21,371,887, A>T on the plus strand (T>A on the coding strand, the complement: SUPT16H is on the minus strand). VCF-style: chr14-21371887-A-T. GRCh37 (hg19) VCF-style: chr14-21840046-A-T.
Other names: short protein forms L106Q.
Identifiers: ClinVar variation 4083011 (VCV004083011.1).

ClinVar aggregate classification (germline): Uncertain significance (1 of 4 stars; one submission).

Submission:

GeneDx
Classification: Uncertain significance. Last evaluated: 2025-03-11. Review status: criteria provided, single submitter. Criteria: GeneDx Variant Classification Process June 2021. Collection method: clinical testing. Allele origin: germline. Affected: yes.
Comment: Not observed at significant frequency in large population cohorts (gnomAD); In silico analysis supports that this missense variant has a deleterious effect on protein structure/function; Has not been previously published as pathogenic or benign to our knowledge